The following is an entry in ClinVar:

ClinVar aggregate classification (germline): Pathogenic (1 of 4 stars; one submission).

Conditions:
Ataxia-telangiectasia syndrome (AT). Also called: LOUIS-BAR SYNDROME; Cerebello-oculocutaneous telangiectasia; Immunodeficiency with ataxia telangiectasia; Ataxia telangiectasia (A-T); Ataxia-telangiectasia, complementation group D; AT, COMPLEMENTATION GROUP C. Identifiers: Orphanet 100, MedGen C0004135, MONDO:0008840, OMIM 208900.

Submission:

Labcorp Genetics (formerly Invitae), Labcorp
Classification: Pathogenic for Ataxia-telangiectasia syndrome. Last evaluated: 2025-01-15. Review status: criteria provided, single submitter. Criteria: Invitae Variant Classification Sherloc (09022015). Collection method: clinical testing. Allele origin: germline.
Comment: This sequence change affects an acceptor splice site in intron 38 of the ATM gene. It is expected to disrupt RNA splicing. Variants that disrupt the donor or acceptor splice site typically lead to a loss of protein function (PMID: 16199547), and loss-of-function variants in ATM are known to be pathogenic (PMID: 23807571, 25614872). This variant is not present in population databases (gnomAD no frequency). Disruption of this splice site has been observed in individuals with ataxia-telangiectasia (PMID: 21665257). ClinVar contains an entry for this variant (Variation ID: 1472071). Algorithms developed to predict the effect of sequence changes on RNA splicing suggest that this variant may disrupt the consensus splice site. For these reasons, this variant has been classified as Pathogenic.

Literature cited by the submitters: PubMed 16199547; PubMed 23807571; PubMed 25614872; PubMed 21665257.

NM_000051.4(ATM):c.5763-1G>A

Genes: ATM (ATM serine/threonine kinase; plus strand), C11orf65 (chromosome 11 open reading frame 65; minus strand). Cytogenetic location: 11q22.3.
Variant type: single nucleotide variant.
Coding change: c.5763-1G>A on transcript NM_000051.4 (MANE Select); the canonical splice acceptor site of the intron before coding-DNA position 5763, G replaced by A.
Molecular consequence: splice acceptor variant. On other transcripts: intron variant (2).
Genome position (GRCh38, 1-based): chr11:108,310,159, G>A. VCF-style: chr11-108310159-G-A. GRCh37 (hg19) VCF-style: chr11-108180886-G-A.
Other names: c.*39-1088C>T (NM_001351110.2); c.5763-1G>A (NM_001351834.2); c.641-1088C>T (NM_001330368.2).
Identifiers: ClinVar variation 1472071 (VCV001472071.7), dbSNP rs2136011029, ClinGen allele CA382548272.
Genomic context (GRCh38, chr11:108,310,159, plus strand): 5'-GCTTTTATTTTGATATTGAAGTTTAAAAAAGTGAATGACATTATATCTCATTTTTCTTTA[G>A]ACCTTCTTCAGGAACAATTTTTAATGATGCTTTCTGGCTGGATTTAAATTATCTAGAAGT-3'